The following is an entry in ClinVar:

ClinVar aggregate classification (germline): Likely benign (1 of 4 stars; one submission).

Conditions:
Weill-Marchesani 4 syndrome, recessive. Also called: Weill-Marchesani syndrome 4. Identifiers: Orphanet 363992, MedGen C2750787, MONDO:0013176, OMIM 613195.

Allele frequency attached by ClinVar (database versions not stated): 1000 Genomes Project 30x 0.00250; 1000 Genomes Project 0.00280; TOPMed 0.00376; gnomAD 0.00498 and 0.00515.

Submission:

Illumina Laboratory Services, Illumina
Classification: Likely benign for Weill-Marchesani 4 syndrome, recessive. Last evaluated: 2018-01-12. Review status: criteria provided, single submitter. Criteria: ICSL Variant Classification Criteria 13 December 2019. Collection method: clinical testing. Allele origin: germline.
Comment: This variant was observed in the ICSL laboratory as part of a predisposition screen in an ostensibly healthy population. It had not been previously curated by ICSL or reported in the Human Gene Mutation Database (HGMD: prior to June 1st, 2018), and was therefore a candidate for classification through an automated scoring system. Utilizing variant allele frequency, disease prevalence and penetrance estimates, and inheritance mode, an automated score was calculated to assess if this variant is too frequent to cause the disease. Based on the score and internal cut-off values, a variant classified as likely benign is not then subjected to further curation. The score for this variant resulted in a classification of likely benign for this disease.

NM_139057.4(ADAMTS17):c.*880C>T

Gene: ADAMTS17 (ADAM metallopeptidase with thrombospondin type 1 motif 17; minus strand). Cytogenetic location: 15q26.3.
Variant type: single nucleotide variant.
Coding change: c.*880C>T on transcript NM_139057.4 (MANE Select); 880 bases downstream of the stop codon, C replaced by T.
Molecular consequence: 3 prime UTR variant.
Genome position (GRCh38, 1-based): chr15:99,973,522, G>A on the plus strand (C>T on the coding strand, the complement: ADAMTS17 is on the minus strand). VCF-style: chr15-99973522-G-A. GRCh37 (hg19) VCF-style: chr15-100513727-G-A.
Identifiers: ClinVar variation 887378 (VCV000887378.4), dbSNP rs187416809, ClinGen allele CA275484885.